The following is an entry in ClinVar:

ClinVar aggregate classification (germline): Pathogenic/Likely pathogenic. Review status: criteria provided, multiple submitters, no conflicts (2 of 4 stars). 5 submissions from 5 submitters: Pathogenic (3); Likely pathogenic (2). Last evaluated 2024-07-24.

Conditions:
Retinitis pigmentosa 25 (RP25). Identifiers: Orphanet 791, MedGen C1864446, MONDO:0011272, OMIM 602772.
EYS-related disorder. Also called: EYS-related condition.

Submissions (5):

Dasa
Classification: Likely pathogenic. Last evaluated: 2024-07-24. Review status: criteria provided, single submitter. Criteria: DASA Assertion Criteria. Collection method: clinical testing. Allele origin: germline.
Comment: NM_001142800.2(EYS):c.8598del (p.Gly2867Valfs*5) is a frameshift variant in EYS predicted to alter the reading frame and introduce a premature termination codon and is predicted to result in an absent or altered protein product. Loss of function is an established disease mechanism for EYS-associated disorders. This variant has been observed in affected individuals with EYS-related disorders. Published studies describe this variant in association with EYS-related disorders (PMID: 30543658). Also, this variant is rare in population databases. Based on the currently available evidence, this variant is classified as likely pathogenic.

Baylor Genetics
Classification: Pathogenic for Retinitis pigmentosa 25. Last evaluated: 2023-09-27. Review status: criteria provided, single submitter. Criteria: ACMG Guidelines, 2015. Collection method: clinical testing. Allele origin: unknown.

Labcorp Genetics (formerly Invitae), Labcorp
Classification: Pathogenic. Last evaluated: 2023-06-19. Review status: criteria provided, single submitter. Criteria: Invitae Variant Classification Sherloc (09022015). Collection method: clinical testing. Allele origin: germline.
Comment: For these reasons, this variant has been classified as Pathogenic. This variant disrupts a region of the EYS protein in which other variant(s) (p.Tyr3135*) have been determined to be pathogenic (PMID: 18976725, 29159838, 30337596, 31074760). This suggests that this is a clinically significant region of the protein, and that variants that disrupt it are likely to be disease-causing. ClinVar contains an entry for this variant (Variation ID: 847608). This premature translational stop signal has been observed in individual(s) with retinitis pigmentosa (PMID: 30543658). This variant is not present in population databases (gnomAD no frequency). This sequence change creates a premature translational stop signal (p.Gly2867Valfs*5) in the EYS gene. While this is not anticipated to result in nonsense mediated decay, it is expected to disrupt the last 278 amino acid(s) of the EYS protein.

DBGen Ocular Genomics
Classification: Pathogenic for Retinitis pigmentosa 25. Last evaluated: 2021-06-07. Review status: criteria provided, single submitter. Criteria: ACMG Guidelines, 2015. Collection method: clinical testing. Allele origin: germline. Affected: yes. Observed: 1 variant allele.

Blueprint Genetics
Classification: Likely pathogenic for EYS-related disorders. Last evaluated: 2017-08-22. Review status: criteria provided, single submitter. Criteria: ACMG Guidelines, 2015. Collection method: clinical testing. Allele origin: germline. Affected: yes. Observed: 1 variant allele.

Literature cited by the submitters: PubMed 30543658 (cited by Dasa and Labcorp Genetics (formerly Invitae), Labcorp); PubMed 18976725 (cited by Labcorp Genetics (formerly Invitae), Labcorp); PubMed 29159838 (cited by Labcorp Genetics (formerly Invitae), Labcorp); PubMed 30337596 (cited by Labcorp Genetics (formerly Invitae), Labcorp); PubMed 31074760 (cited by Labcorp Genetics (formerly Invitae), Labcorp).

NM_001142800.2(EYS):c.8598del (p.Gly2867fs)

Genes: EYS (EGF-like photoreceptor maintenance factor; minus strand), PHF3 (PHD finger protein 3; plus strand). Cytogenetic location: 6q12.
Variant type: Deletion.
Coding change: c.8598del on transcript NM_001142800.2 (MANE Select); coding-DNA position 8598, one base deleted (A; older notation c.8598delA).
Protein change: p.Gly2867fs; shifts the reading frame from glycine 2867.
Molecular consequence: frameshift variant. On other transcripts: 3 prime UTR variant (5).
Genome position (GRCh38, 1-based): chr6:63,721,433, T deleted on the plus strand (A on the coding strand, the reverse complement: EYS is on the minus strand); the first of 4 consecutive T bases (chr6:63,721,433-63,721,436); deleting any one gives the same sequence. VCF-style (leftmost placement, unchanged base first): chr6-63721432-CT-C. GRCh37 (hg19) VCF-style: chr6-64431328-CT-C.
Other names: c.*7728del (NM_001290259.2, NM_001370348.2, NM_001370349.2 and 2 more transcripts); c.8661del, p.Gly2888fs (NM_001292009.2); short protein forms G2888fs, G2867fs.
Identifiers: ClinVar variation 847608 (VCV000847608.13), dbSNP rs1050742628, ClinGen allele CA140236841.